The following is an entry in ClinVar:

ClinVar aggregate classification (germline): Benign/Likely benign. Review status: criteria provided, multiple submitters, no conflicts (2 of 4 stars). 4 submissions from 4 submitters: Benign (1); Likely benign (2). 1 of the submissions does not count toward it. Last evaluated 2025-10-04.

Conditions:
TRPC3-related disorder. Also called: TRPC3-related condition.

Allele frequency attached by ClinVar (database versions not stated): 1000 Genomes Project 30x 0.00156; gnomAD 0.00164 and 0.00174; TOPMed 0.00165; 1000 Genomes Project 0.00180; ESP Exome Variant Server 0.00223; ExAC 0.00224; gnomAD exomes 0.00238 and 0.00288.
gnomAD v4.1: 4,496 of 1,613,808 alleles (0.28%); highest among the groups gnomAD compares: South Asian, 0.56%; 16 homozygotes.

Submissions (4):

Labcorp Genetics (formerly Invitae), Labcorp
Classification: Benign. Last evaluated: 2025-10-04. Review status: criteria provided, single submitter. Criteria: Invitae Variant Classification Sherloc (09022015). Collection method: clinical testing. Allele origin: germline.

CeGaT Center for Human Genetics Tuebingen
Classification: Likely benign. Last evaluated: 2022-03-01. Review status: criteria provided, single submitter. Criteria: CeGaT Center For Human Genetics Tuebingen Variant Classification Criteria Version 2. Collection method: clinical testing. Allele origin: germline. Affected: yes. Observed: 1 variant allele.
Comment: TRPC3: BP4, BP7

Breakthrough Genomics
Classification: Likely benign. Review status: criteria provided, single submitter. Criteria: ACMG Guidelines, 2015. Collection method: not provided. Allele origin: germline. Inheritance: Autosomal dominant inheritance. Affected: yes.

PreventionGenetics, part of Exact Sciences
Classification: Likely benign for TRPC3-related condition. Last evaluated: 2024-02-21. Review status: no assertion criteria provided. Collection method: clinical testing. Allele origin: germline. Not counted in ClinVar's aggregate classification.
Comment: This variant is classified as likely benign based on ACMG/AMP sequence variant interpretation guidelines (Richards et al. 2015 PMID: 25741868, with internal and published modifications).

NM_001130698.2(TRPC3):c.1707G>A (p.Lys569=)

Gene: TRPC3 (transient receptor potential cation channel subfamily C member 3; minus strand). Cytogenetic location: 4q27.
Variant type: single nucleotide variant.
Coding change: c.1707G>A on transcript NM_001130698.2 (MANE Select); coding-DNA position 1707, G replaced by A.
Protein change: p.Lys569=; no amino-acid change (lysine 569 retained).
Molecular consequence: synonymous variant.
Genome position (GRCh38, 1-based): chr4:121,910,239, C>T on the plus strand (G>A on the coding strand, the complement: TRPC3 is on the minus strand). VCF-style: chr4-121910239-C-T. GRCh37 (hg19) VCF-style: chr4-122831394-C-T.
Other names: c.1707G>A (NM_001130698.1); c.1707G>A, p.Lys569= (NM_001366479.2); c.1488G>A, p.Lys496= (NM_003305.2).
Identifiers: ClinVar variation 1675958 (VCV001675958.40), dbSNP rs34507256, ClinGen allele CA3064889.